The following is an entry in ClinVar:

ClinVar aggregate classification (germline): Benign. Review status: criteria provided, multiple submitters, no conflicts (2 of 4 stars). 2 submissions from 2 submitters: Benign (2). Last evaluated 2018-06-14.

Allele frequency attached by ClinVar (database versions not stated): gnomAD exomes 0.52729; 1000 Genomes Project 0.53035; TOPMed 0.55545; gnomAD 0.57425; 1000 Genomes Project 30x 0.52701; ESP Exome Variant Server 0.59690.
gnomAD v4.1: 875,083 of 1,579,502 alleles (55%); highest among the groups gnomAD compares: African/African-American, 64%; 244,627 homozygotes.

Submissions (3):

GeneDx
Classification: Benign. Last evaluated: 2018-06-14. Review status: criteria provided, single submitter. Criteria: GeneDx Variant Classification (06012015). Collection method: clinical testing. Allele origin: germline. Affected: yes.
Comment: This variant is considered likely benign or benign based on one or more of the following criteria: it is a conservative change, it occurs at a poorly conserved position in the protein, it is predicted to be benign by multiple in silico algorithms, and/or has population frequency not consistent with disease.

Breakthrough Genomics
Classification: Benign. Review status: criteria provided, single submitter. Criteria: ACMG Guidelines, 2015. Collection method: not provided. Allele origin: germline. Inheritance: Unknown mechanism. Affected: yes.

Dr. Peter K. Rogan Lab, Western University
No classification provided (evidence only). Condition: Hepatocellular carcinoma. Review status: no classification provided. Collection method: in vitro. Allele origin: not applicable. Functional consequence: retained intron. Not counted in ClinVar's aggregate classification.

NM_001032283.3(TMPO):c.565+34G>T

Gene: TMPO (thymopoietin; plus strand). Cytogenetic location: 12q23.1.
Variant type: single nucleotide variant.
Coding change: c.565+34G>T on transcript NM_001032283.3 (MANE Select); 34 bases into the intron after coding-DNA position 565, G replaced by T.
Molecular consequence: intron variant.
Genome position (GRCh38, 1-based): chr12:98,531,872, G>T. VCF-style: chr12-98531872-G-T. GRCh37 (hg19) VCF-style: chr12-98925650-G-T.
Other names: NC_000012.11:g.98925650G>T; c.565+34G>T (NM_003276.2, NM_001307975.2, NM_001032284.3).
Identifiers: ClinVar variation 671210 (VCV000671210.3), dbSNP rs3213901, ClinGen allele CA6732231.